The following is an entry in ClinVar:

NM_000101.4(CYBA):c.521T>C (p.Val174Ala)

Gene: CYBA (cytochrome b-245 alpha chain; minus strand). Cytogenetic location: 16q24.2.
Variant type: single nucleotide variant.
Coding change: c.521T>C on transcript NM_000101.4 (MANE Select); coding-DNA position 521, T replaced by C.
Protein change: p.Val174Ala; replaces valine 174 with alanine.
Molecular consequence: missense variant.
Genome position (GRCh38, 1-based): chr16:88,643,420, A>G on the plus strand (T>C on the coding strand, the complement: CYBA is on the minus strand). VCF-style: chr16-88643420-A-G. GRCh37 (hg19) VCF-style: chr16-88709828-A-G.
Other names: c.521T>C (NM_000101.2); short protein forms V174A.
Identifiers: ClinVar variation 198042 (VCV000198042.23), dbSNP rs1049254, ClinGen allele CA203198.

ClinVar aggregate classification (germline): Benign/Likely benign. Review status: criteria provided, multiple submitters, no conflicts (2 of 4 stars). 11 submissions from 11 submitters: Benign (9); Likely benign (1). 1 of the submissions does not count toward it. Last evaluated 2026-02-04.

Conditions:
Chronic granulomatous disease. Identifiers: Orphanet 379, MedGen C0018203, MONDO:0018305.
Granulomatous disease, chronic, autosomal recessive, cytochrome b-negative. Also called: GRANULOMATOUS DISEASE, CHRONIC, AUTOSOMAL RECESSIVE, 4; Chronic granulomatous disease, autosomal, due to deficiency of CYBA; CGD DUE TO DEFICIENCY OF THE ALPHA SUBUNIT OF CYTOCHROME b; CGD, AUTOSOMAL RECESSIVE CYTOCHROME b-NEGATIVE; CYBA DEFICIENCY. Identifiers: Orphanet 379, MedGen C1856255, MONDO:0009308, OMIM 233690.

Allele frequency attached by ClinVar (database versions not stated): ESP Exome Variant Server 0.68469; gnomAD 0.68722 and 0.68824; ExAC 0.68923; TOPMed 0.69080; 1000 Genomes Project 30x 0.73548; 1000 Genomes Project 0.73742.
gnomAD v4.1: 957,549 of 1,530,710 alleles (63%); highest among the groups gnomAD compares: African/African-American, 83%; 302,624 homozygotes.

Submissions (11):

Labcorp Genetics (formerly Invitae), Labcorp
Classification: Benign for Granulomatous disease, chronic, autosomal recessive, cytochrome b-negative. Last evaluated: 2026-02-04. Review status: criteria provided, single submitter. Criteria: Invitae Variant Classification Sherloc (09022015). Collection method: clinical testing. Allele origin: germline.

Blueprint Genetics
Classification: Likely benign. Last evaluated: 2024-11-27. Review status: criteria provided, single submitter. Criteria: ACMG Guidelines, 2015. Collection method: clinical testing. Allele origin: germline.

Unidad de Genómica Garrahan, Hospital de Pediatría Garrahan
Classification: Benign. Last evaluated: 2024-01-24. Review status: criteria provided, single submitter. Criteria: ACMG Guidelines, 2015. Collection method: clinical testing. Allele origin: germline. Affected: no. Observed: 81 variant alleles.
Comment: This variant is classified as Benign based on local population frequency. This variant was detected in 85% of patients studied by a panel of primary immunodeficiencies. Number of patients: 81. Only high quality variants are reported.

Women's Health and Genetics/Laboratory Corporation of America, LabCorp
Classification: Benign. Last evaluated: 2024-01-22. Review status: criteria provided, single submitter. Criteria: LabCorp Variant Classification Summary - May 2015. Collection method: clinical testing. Allele origin: germline.

Genome-Nilou Lab
Classification: Benign for Granulomatous disease, chronic, autosomal recessive, cytochrome b-negative. Last evaluated: 2021-06-10. Review status: criteria provided, single submitter. Criteria: ACMG Guidelines, 2015. Collection method: clinical testing. Allele origin: germline. Affected: no.

Mayo Clinic Laboratories, Mayo Clinic
Classification: Benign. Last evaluated: 2018-07-06. Review status: criteria provided, single submitter. Criteria: ACMG Guidelines, 2015. Collection method: clinical testing. Allele origin: germline. Observed: 307 variant alleles.

Eurofins Ntd Llc (ga)
Classification: Benign. Last evaluated: 2016-04-15. Review status: criteria provided, single submitter. Criteria: EGL Classification Definitions 2015. Collection method: clinical testing. Allele origin: germline. Observed: 72 variant alleles, 42 heterozygotes, 30 homozygotes.

GeneDx
Classification: Benign. Last evaluated: 2015-03-03. Review status: criteria provided, single submitter. Criteria: GeneDx Variant Classification Process June 2021. Collection method: clinical testing. Allele origin: germline. Affected: yes.

Breakthrough Genomics
Classification: Benign. Review status: criteria provided, single submitter. Criteria: ACMG Guidelines, 2015. Collection method: not provided. Allele origin: germline. Inheritance: Autosomal recessive inheritance. Affected: yes.

PreventionGenetics, part of Exact Sciences
Classification: Benign. Review status: criteria provided, single submitter. Criteria: ACMG Guidelines, 2015. Collection method: clinical testing. Allele origin: germline.

Natera, Inc.
Classification: Benign for Chronic granulomatous disease. Last evaluated: 2019-11-18. Review status: no assertion criteria provided. Collection method: clinical testing. Allele origin: germline. Not counted in ClinVar's aggregate classification.